The following is an entry in ClinVar:

NM_006267.5(RANBP2):c.374T>G (p.Phe125Cys)

Gene: RANBP2 (RAN binding protein 2; plus strand). Cytogenetic location: 2q13.
Variant type: single nucleotide variant.
Coding change: c.374T>G on transcript NM_006267.5 (MANE Select); coding-DNA position 374, T replaced by G.
Protein change: p.Phe125Cys; replaces phenylalanine 125 with cysteine.
Molecular consequence: missense variant.
Genome position (GRCh38, 1-based): chr2:108,731,443, T>G. VCF-style: chr2-108731443-T-G. GRCh37 (hg19) VCF-style: chr2-109347899-T-G.
Other names: short protein forms F125C.
Identifiers: ClinVar variation 1000431 (VCV001000431.5), dbSNP rs753998662, ClinGen allele CA1822013.
Genomic context (GRCh38, chr2:108,731,443, plus strand): 5'-GTAAAAATGATGTTACTGATGGAAGAGCAAAATACTGGCTTGAAAGAGCAGCCAAACTTT[T>G]CCCAGGAAGTCCTGCAATTTATAAACTAAAGGTAAACAAACAAAACATAAAGGGAGAAAA-3'
Protein context (NP_006258.3, residues 115-135): KYWLERAAKL[Phe125Cys]PGSPAIYKLK

ClinVar aggregate classification (germline): Uncertain significance (1 of 4 stars; one submission).

Conditions:
Familial acute necrotizing encephalopathy (IIAE3). Also called: ENCEPHALOPATHY, ACUTE, INFECTION-INDUCED, SUSCEPTIBILITY TO, 3; Susceptibility to Acute Necrotizing Encephalopathy 1. Identifiers: Orphanet 88619, MedGen C2675556, MONDO:0011953, OMIM 608033.

Allele frequency attached by ClinVar (database versions not stated): gnomAD exomes below 0.00001; gnomAD 0.00001; ExAC 0.00002.
gnomAD v4.1: 1 of 1,611,360 alleles (0.000062%); highest among the groups gnomAD compares: East Asian, 0.0022%; no homozygotes.

Submission:

Labcorp Genetics (formerly Invitae), Labcorp
Classification: Uncertain significance for Familial acute necrotizing encephalopathy. Last evaluated: 2022-02-03. Review status: criteria provided, single submitter. Criteria: Invitae Variant Classification Sherloc (09022015). Collection method: clinical testing. Allele origin: germline.
Comment: This variant has not been reported in the literature in individuals affected with RANBP2-related conditions. This variant is present in population databases (rs753998662, gnomAD 0.006%). ClinVar contains an entry for this variant (Variation ID: 1000431). Algorithms developed to predict the effect of missense changes on protein structure and function are either unavailable or do not agree on the potential impact of this missense change (SIFT: "Deleterious"; PolyPhen-2: "Benign"; Align-GVGD: "Class C65"). In summary, the available evidence is currently insufficient to determine the role of this variant in disease. Therefore, it has been classified as a Variant of Uncertain Significance. This sequence change replaces phenylalanine, which is neutral and non-polar, with cysteine, which is neutral and slightly polar, at codon 125 of the RANBP2 protein (p.Phe125Cys).